The following is an entry in ClinVar:

ClinVar aggregate classification (germline): Uncertain significance. Review status: criteria provided, multiple submitters, no conflicts (2 of 4 stars). 2 submissions from 2 submitters: Uncertain significance (2). Last evaluated 2025-07-15.

gnomAD v4.1: 6 of 1,542,068 alleles (0.00039%); highest among the groups gnomAD compares: Admixed American, 0.0041%; no homozygotes.

Submissions (2):

Ambry Genetics
Classification: Uncertain significance. Last evaluated: 2025-07-15. Review status: criteria provided, single submitter. Criteria: Ambry Variant Classification Scheme 2023. Collection method: clinical testing. Allele origin: germline.

Labcorp Genetics (formerly Invitae), Labcorp
Classification: Uncertain significance. Last evaluated: 2023-05-27. Review status: criteria provided, single submitter. Criteria: Invitae Variant Classification Sherloc (09022015). Collection method: clinical testing. Allele origin: germline.
Comment: In summary, the available evidence is currently insufficient to determine the role of this variant in disease. Therefore, it has been classified as a Variant of Uncertain Significance. Advanced modeling of protein sequence and biophysical properties (such as structural, functional, and spatial information, amino acid conservation, physicochemical variation, residue mobility, and thermodynamic stability) has been performed at Invitae for this missense variant, however the output from this modeling did not meet the statistical confidence thresholds required to predict the impact of this variant on MYH7B protein function. This variant has not been reported in the literature in individuals affected with MYH7B-related conditions. This variant is not present in population databases (gnomAD no frequency). This sequence change replaces glutamic acid, which is acidic and polar, with lysine, which is basic and polar, at codon 1193 of the MYH7B protein (p.Glu1193Lys).

NM_020884.7(MYH7B):c.3451G>A (p.Glu1151Lys)

Gene: MYH7B (myosin heavy chain 7B; plus strand). Cytogenetic location: 20q11.22.
Variant type: single nucleotide variant.
Coding change: c.3451G>A on transcript NM_020884.7 (MANE Select); coding-DNA position 3451, G replaced by A.
Protein change: p.Glu1151Lys; replaces glutamic acid 1151 with lysine.
Molecular consequence: missense variant.
Genome position (GRCh38, 1-based): chr20:34,997,344, G>A. VCF-style: chr20-34997344-G-A. GRCh37 (hg19) VCF-style: chr20-33585147-G-A.
Other names: c.3577G>A (NM_020884.3); short protein forms E1151K.
Identifiers: ClinVar variation 2956494 (VCV002956494.4), dbSNP rs779470284, ClinGen allele CA408711136.